The following is an entry in ClinVar:

NM_012082.4(ZFPM2):c.2695G>A (p.Glu899Lys)

Genes: ZFPM2 (zinc finger protein, FOG family member 2; plus strand), ZFPM2-AS1 (ZFPM2 antisense RNA 1; minus strand), LOC126860469 (BRD4-independent group 4 enhancer GRCh37_chr8:106814445-106815644; plus strand). Cytogenetic location: 8q23.1.
Variant type: single nucleotide variant.
Coding change: c.2695G>A on transcript NM_012082.4 (MANE Select); coding-DNA position 2695, G replaced by A.
Protein change: p.Glu899Lys; replaces glutamic acid 899 with lysine.
Molecular consequence: missense variant.
Genome position (GRCh38, 1-based): chr8:105,802,777, G>A. VCF-style: chr8-105802777-G-A. GRCh37 (hg19) VCF-style: chr8-106815005-G-A.
Other names: c.2536G>A, p.Glu846Lys (NM_001362836.2); c.2299G>A, p.Glu767Lys (NM_001362837.2); short protein forms E899K, E846K, E767K.
Identifiers: ClinVar variation 4762341 (VCV004762341.1).

ClinVar aggregate classification (germline): Uncertain significance (1 of 4 stars; one submission).

Conditions:
46,XY sex reversal 9 (SRXY9). Also called: 46,XY SEX REVERSAL, ZFPM2-RELATED. Identifiers: Orphanet 251510, MedGen C4015129, MONDO:0014480, OMIM 616067.

Submission:

Labcorp Genetics (formerly Invitae), Labcorp
Classification: Uncertain significance for 46,XY sex reversal 9. Last evaluated: 2025-06-24. Review status: criteria provided, single submitter. Criteria: Invitae Variant Classification Sherloc (09022015). Collection method: clinical testing. Allele origin: germline.
Comment: This sequence change replaces glutamic acid, which is acidic and polar, with lysine, which is basic and polar, at codon 899 of the ZFPM2 protein (p.Glu899Lys). This variant is not present in population databases (gnomAD no frequency). This variant has not been reported in the literature in individuals affected with ZFPM2-related conditions. An algorithm developed to predict the effect of missense changes on protein structure and function (PolyPhen-2) suggests that this variant is likely to be tolerated. In summary, the available evidence is currently insufficient to determine the role of this variant in disease. Therefore, it has been classified as a Variant of Uncertain Significance.